The following is an entry in ClinVar:

NM_014176.4(UBE2T):c.172C>G (p.Pro58Ala)

Gene: UBE2T (ubiquitin conjugating enzyme E2 T; minus strand). Cytogenetic location: 1q32.1.
Variant type: single nucleotide variant.
Coding change: c.172C>G on transcript NM_014176.4 (MANE Select); coding-DNA position 172, C replaced by G.
Protein change: p.Pro58Ala; replaces proline 58 with alanine.
Molecular consequence: missense variant.
Genome position (GRCh38, 1-based): chr1:202,334,996, G>C on the plus strand (C>G on the coding strand, the complement: UBE2T is on the minus strand). VCF-style: chr1-202334996-G-C. GRCh37 (hg19) VCF-style: chr1-202304124-G-C.
Other names: c.82C>G, p.Pro28Ala (NM_001310326.2); short protein forms P28A, P58A.
Identifiers: ClinVar variation 2151173 (VCV002151173.3), dbSNP rs147122531, ClinGen allele CA1332433.

ClinVar aggregate classification (germline): Uncertain significance. Review status: criteria provided, multiple submitters, no conflicts (2 of 4 stars). 2 submissions from 2 submitters: Uncertain significance (2). Last evaluated 2026-01-12.

Allele frequency attached by ClinVar (database versions not stated): 1000 Genomes Project 0.00020; TOPMed 0.00024; 1000 Genomes Project 30x 0.00031; gnomAD 0.00031; ExAC 0.00044; ESP Exome Variant Server 0.00046.
gnomAD v4.1: 893 of 1,612,418 alleles (0.055%); highest among the groups gnomAD compares: Non-Finnish European, 0.073%; no homozygotes.

Submissions (2):

Labcorp Genetics (formerly Invitae), Labcorp
Classification: Uncertain significance. Last evaluated: 2026-01-12. Review status: criteria provided, single submitter. Criteria: Invitae Variant Classification Sherloc (09022015). Collection method: clinical testing. Allele origin: germline.
Comment: This sequence change replaces proline, which is neutral and non-polar, with alanine, which is neutral and non-polar, at codon 58 of the UBE2T protein (p.Pro58Ala). This variant is present in population databases (rs147122531, gnomAD 0.06%). This variant has not been reported in the literature in individuals affected with UBE2T-related conditions. ClinVar contains an entry for this variant (Variation ID: 2151173). An algorithm developed to predict the effect of missense changes on protein structure and function (PolyPhen-2) suggests that this variant is likely to be disruptive. In summary, the available evidence is currently insufficient to determine the role of this variant in disease. Therefore, it has been classified as a Variant of Uncertain Significance.

Blueprint Genetics
Classification: Uncertain significance. Last evaluated: 2024-11-01. Review status: criteria provided, single submitter. Criteria: ACMG Guidelines, 2015. Collection method: clinical testing. Allele origin: germline.